The following is an entry in ClinVar:

ClinVar aggregate classification (germline): Conflicting classifications of pathogenicity. Review status: criteria provided, conflicting classifications (1 of 4 stars). 3 submissions from 3 submitters: Uncertain significance (2); Likely benign (1). Last evaluated 2025-11-19.

Conditions:
Inborn genetic diseases. Identifiers: MedGen C0950123, MeSH D030342.

Allele frequency attached by ClinVar (database versions not stated): ESP Exome Variant Server 0.00016; ExAC 0.00028.
gnomAD v4.1: 61 of 1,568,882 alleles (0.0039%); highest among the groups gnomAD compares: African/African-American, 0.045%; no homozygotes.

Submissions (3):

Women's Health and Genetics/Laboratory Corporation of America, LabCorp
Classification: Likely benign. Last evaluated: 2025-11-19. Review status: criteria provided, single submitter. Criteria: LabCorp Variant Classification Summary - May 2015. Collection method: clinical testing. Allele origin: germline.
Comment: Variant summary: MYH14 c.3176G>A (p.Arg1059His) results in a non-conservative amino acid change in the encoded protein sequence. Algorithms developed to predict the effect of missense changes on protein structure and function all suggest that this variant is likely to be disruptive. The variant allele was found at a frequency of 7.2e-05 in 179546 control chromosomes. The observed variant frequency exceeds the estimated maximal expected allele frequency for disease-causing variants in MYH14. To our knowledge, no occurrence of c.3176G>A in individuals affected with MYH14-related conditions and no experimental evidence demonstrating its impact on protein function have been reported. ClinVar contains an entry for this variant (Variation ID: 2195453). Based on the evidence outlined above, the variant was classified as likely benign.

Labcorp Genetics (formerly Invitae), Labcorp
Classification: Uncertain significance. Last evaluated: 2025-08-03. Review status: criteria provided, single submitter. Criteria: Invitae Variant Classification Sherloc (09022015). Collection method: clinical testing. Allele origin: germline.
Comment: This sequence change replaces arginine, which is basic and polar, with histidine, which is basic and polar, at codon 1059 of the MYH14 protein (p.Arg1059His). The frequency data for this variant in the population databases is considered unreliable, as metrics indicate poor data quality at this position in the gnomAD database. This variant has not been reported in the literature in individuals affected with MYH14-related conditions. ClinVar contains an entry for this variant (Variation ID: 2195453). Invitae Evidence Modeling of protein sequence and biophysical properties (such as structural, functional, and spatial information, amino acid conservation, physicochemical variation, residue mobility, and thermodynamic stability) indicates that this missense variant is expected to disrupt MYH14 protein function with a positive predictive value of 80%. In summary, the available evidence is currently insufficient to determine the role of this variant in disease. Therefore, it has been classified as a Variant of Uncertain Significance.

Ambry Genetics
Classification: Uncertain significance for Inborn genetic diseases. Last evaluated: 2025-01-24. Review status: criteria provided, single submitter. Criteria: Ambry Variant Classification Scheme 2023. Collection method: clinical testing. Allele origin: germline.

NM_001145809.2(MYH14):c.3299G>A (p.Arg1100His)

Gene: MYH14 (myosin heavy chain 14; plus strand). Cytogenetic location: 19q13.33.
Variant type: single nucleotide variant.
Coding change: c.3299G>A on transcript NM_001145809.2 (MANE Select); coding-DNA position 3299, G replaced by A.
Protein change: p.Arg1100His; replaces arginine 1100 with histidine.
Molecular consequence: missense variant.
Genome position (GRCh38, 1-based): chr19:50,272,563, G>A. VCF-style: chr19-50272563-G-A. GRCh37 (hg19) VCF-style: chr19-50775820-G-A.
Other names: c.3200G>A, p.Arg1067His (NM_001077186.2); c.3176G>A, p.Arg1059His (NM_024729.4); c.3176G>A (NM_024729.3); short protein forms R1067H, R1100H, R1059H.
Identifiers: ClinVar variation 2195453 (VCV002195453.7), dbSNP rs374956489, ClinGen allele CA9593190.